The following is an entry in ClinVar:

ClinVar aggregate classification (germline): Uncertain significance (1 of 4 stars; one submission).

Conditions:
Epilepsy, familial adult myoclonic, 5 (EPEO5). Also called: CORTICAL MYOCLONIC TREMOR WITH EPILEPSY, FAMILIAL, 5. Identifiers: Orphanet 86814, MedGen C3809374, MONDO:0014167, OMIM 615400.

Allele frequency attached by ClinVar (database versions not stated): gnomAD exomes below 0.00001; gnomAD 0.00001; TOPMed 0.00001.

Submission:

Labcorp Genetics (formerly Invitae), Labcorp
Classification: Uncertain significance for Epilepsy, familial adult myoclonic, 5. Last evaluated: 2021-09-01. Review status: criteria provided, single submitter. Criteria: Invitae Variant Classification Sherloc (09022015). Collection method: clinical testing. Allele origin: germline.
Comment: This sequence change replaces leucine with phenylalanine at codon 717 of the CNTN2 protein (p.Leu717Phe). The leucine residue is highly conserved and there is a small physicochemical difference between leucine and phenylalanine. This variant is not present in population databases (ExAC no frequency). This variant has not been reported in the literature in individuals affected with CNTN2-related conditions. Advanced modeling of protein sequence and biophysical properties (such as structural, functional, and spatial information, amino acid conservation, physicochemical variation, residue mobility, and thermodynamic stability) performed at Invitae indicates that this missense variant is not expected to disrupt CNTN2 protein function. In summary, the available evidence is currently insufficient to determine the role of this variant in disease. Therefore, it has been classified as a Variant of Uncertain Significance.

NM_005076.5(CNTN2):c.2149C>T (p.Leu717Phe)

Gene: CNTN2 (contactin 2; plus strand). Cytogenetic location: 1q32.1.
Variant type: single nucleotide variant.
Coding change: c.2149C>T on transcript NM_005076.5 (MANE Select); coding-DNA position 2149, C replaced by T.
Protein change: p.Leu717Phe; replaces leucine 717 with phenylalanine.
Molecular consequence: missense variant. On other transcripts: non-coding transcript variant (1).
Genome position (GRCh38, 1-based): chr1:205,069,514, C>T. VCF-style: chr1-205069514-C-T. GRCh37 (hg19) VCF-style: chr1-205038642-C-T.
Other names: c.2149C>T, p.Leu717Phe (NM_001346083.2); short protein forms L717F.
Identifiers: ClinVar variation 1350645 (VCV001350645.5), dbSNP rs970659488, ClinGen allele CA36374552.